The following is an entry in ClinVar:

ClinVar aggregate classification (germline): Pathogenic. Review status: criteria provided, multiple submitters, no conflicts (2 of 4 stars). 2 submissions from 2 submitters: Pathogenic (2). Last evaluated 2022-11-18.

Conditions:
Juvenile polyposis syndrome (JPS). Identifiers: Orphanet 2929, MedGen C0345893, MONDO:0017380, OMIM 174900.
Hereditary cancer-predisposing syndrome. Also called: Neoplastic Syndromes, Hereditary; Tumor predisposition; Hereditary neoplastic syndrome; Hereditary Cancer Syndrome. Identifiers: Orphanet 140162, MedGen C0027672, MeSH D009386, MONDO:0015356.

Submissions (2):

Ambry Genetics
Classification: Pathogenic for Hereditary cancer-predisposing syndrome. Last evaluated: 2022-11-18. Review status: criteria provided, single submitter. Criteria: Ambry Variant Classification Scheme 2023. Collection method: clinical testing. Allele origin: germline.
Comment: The p.W504* pathogenic mutation (also known as c.1511G>A), located in coding exon 11 of the BMPR1A gene, results from a G to A substitution at nucleotide position 1511. This changes the amino acid from a tryptophan to a stop codon within coding exon 11. This mutation was identified in two individuals both of whom had a history of juvenile colon polyps (Ambry internal data). In addition to the clinical data, this alteration is expected to result in loss of function by premature protein truncation. As such, this alteration is interpreted as a disease-causing mutation.

Labcorp Genetics (formerly Invitae), Labcorp
Classification: Pathogenic for Juvenile polyposis syndrome. Last evaluated: 2018-12-18. Review status: criteria provided, single submitter. Criteria: Invitae Variant Classification Sherloc (09022015). Collection method: clinical testing. Allele origin: germline.
Comment: This sequence change results in a premature translational stop signal in the BMPR1A gene (p.Trp504*). While this is not anticipated to result in nonsense mediated decay, it is expected to disrupt the last 29 amino acids of the BMPR1A protein. This variant is not present in population databases (ExAC no frequency). This variant has been observed to segregate with juvenile polyposis in a family (Invitae). ClinVar contains an entry for this variant (Variation ID: 239856). For these reasons, this variant has been classified as Pathogenic. This variant leads to the truncation of the last 29 amino acids of the BMPR1A protein, including the loss of the C-terminal portion of the kinase domain (PMID: 8397373). However, experimental studies and prediction algorithms are not available for this variant, and the functional significance of the affected amino acids is currently unknown.

Literature cited by the submitters: PubMed 8397373 (cited by Labcorp Genetics (formerly Invitae), Labcorp).

NM_004329.3(BMPR1A):c.1511G>A (p.Trp504Ter)

Gene: BMPR1A (bone morphogenetic protein receptor type 1A; plus strand). Cytogenetic location: 10q23.2.
Variant type: single nucleotide variant.
Coding change: c.1511G>A on transcript NM_004329.3 (MANE Select); coding-DNA position 1511, G replaced by A.
Protein change: p.Trp504Ter; replaces tryptophan 504 with a stop codon.
Molecular consequence: nonsense.
Genome position (GRCh38, 1-based): chr10:86,923,631, G>A. VCF-style: chr10-86923631-G-A. GRCh37 (hg19) VCF-style: chr10-88683388-G-A.
Other names: short protein forms W504*.
Identifiers: ClinVar variation 239856 (VCV000239856.16), dbSNP rs878854664, ClinGen allele CA10582751.